The following is an entry in ClinVar:

NM_000260.4(MYO7A):c.5641G>A (p.Gly1881Arg)

Gene: MYO7A (myosin VIIA; plus strand). Cytogenetic location: 11q13.5.
Variant type: single nucleotide variant.
Coding change: c.5641G>A on transcript NM_000260.4 (MANE Select); coding-DNA position 5641, G replaced by A.
Protein change: p.Gly1881Arg; replaces glycine 1881 with arginine.
Molecular consequence: missense variant.
Genome position (GRCh38, 1-based): chr11:77,206,101, G>A. VCF-style: chr11-77206101-G-A. GRCh37 (hg19) VCF-style: chr11-76917146-G-A.
Other names: c.5527G>A, p.Gly1843Arg (NM_001127180.2); c.5494G>A, p.Gly1832Arg (NM_001369365.1); short protein forms G1881R, G1843R, G1832R.
Identifiers: ClinVar variation 504649 (VCV000504649.10), dbSNP rs373886432, ClinGen allele CA6198785.

ClinVar aggregate classification (germline): Uncertain significance. Review status: criteria provided, multiple submitters, no conflicts (2 of 4 stars). 4 submissions from 4 submitters: Uncertain significance (3). 1 of the submissions does not count toward it. Last evaluated 2024-05-06.

Conditions:
Autosomal dominant nonsyndromic hearing loss 11. Identifiers: Orphanet 90635, MedGen C1832475, MONDO:0011032, OMIM 601317.
Autosomal recessive nonsyndromic hearing loss 2. Also called: DEAFNESS, AUTOSOMAL RECESSIVE 2; NEUROSENSORY NONSYNDROMIC RECESSIVE DEAFNESS 2. Identifiers: Orphanet 90636, MedGen C1838701, MONDO:0010807, OMIM 600060.
Usher syndrome type 1 (USH1). Also called: RETINITIS PIGMENTOSA AND CONGENITAL DEAFNESS. Identifiers: Orphanet 231169, Orphanet 886, MedGen C1568247, MONDO:0010168, OMIM 276900.
Usher syndrome type 1B (USH1B). Also called: Usher syndrome type IB. Identifiers: MedGen C1848638, MONDO:0700087.

Allele frequency attached by ClinVar (database versions not stated): 1000 Genomes Project 30x 0.00016; gnomAD 0.00001; TOPMed 0.00001; ESP Exome Variant Server 0.00008.
gnomAD v4.1: 17 of 1,610,750 alleles (0.0011%); highest among the groups gnomAD compares: South Asian, 0.0055%; no homozygotes.

Submissions (4):

Labcorp Genetics (formerly Invitae), Labcorp
Classification: Uncertain significance. Last evaluated: 2024-05-06. Review status: criteria provided, single submitter. Criteria: Invitae Variant Classification Sherloc (09022015). Collection method: clinical testing. Allele origin: germline.
Comment: This sequence change replaces glycine, which is neutral and non-polar, with arginine, which is basic and polar, at codon 1881 of the MYO7A protein (p.Gly1881Arg). This variant is present in population databases (rs373886432, gnomAD 0.003%). This variant has not been reported in the literature in individuals affected with MYO7A-related conditions. ClinVar contains an entry for this variant (Variation ID: 504649). Advanced modeling of protein sequence and biophysical properties (such as structural, functional, and spatial information, amino acid conservation, physicochemical variation, residue mobility, and thermodynamic stability) performed at Invitae indicates that this missense variant is expected to disrupt MYO7A protein function with a positive predictive value of 95%. In summary, the available evidence is currently insufficient to determine the role of this variant in disease. Therefore, it has been classified as a Variant of Uncertain Significance.

Fulgent Genetics
Classification: Uncertain significance for Usher syndrome type 1; Autosomal recessive nonsyndromic hearing loss 2; Autosomal dominant nonsyndromic hearing loss 11. Last evaluated: 2022-03-15. Review status: criteria provided, single submitter. Criteria: ACMG Guidelines, 2015. Collection method: clinical testing. Allele origin: unknown.

Laboratory for Molecular Medicine, Mass General Brigham Personalized Medicine
Classification: Uncertain significance. Last evaluated: 2016-11-23. Review status: criteria provided, single submitter. Criteria: LMM Criteria. Collection method: clinical testing. Allele origin: germline. Observed: 1 variant allele.
Comment: The p.Gly1881Arg variant in MYO7A has not been previously reported in individual s with hearing loss or Usher syndrome. This variant has been identified in 1/457 54 European chromosomes by the Exome Aggregation Consortium (ExAC; dbSNP rs373886432); however, its frequency is not high enough to rule out a pathogenic role. Computational prediction tools and conservation analysis suggest that the p.Gly1881Arg variant may impact the protein, though th is information is not predictive enough to determine pathogenicity. In summary, the clinical significance of the p.Gly1881Arg variant is uncertain.

Natera, Inc.
Classification: Uncertain significance for Usher syndrome type 1B. Last evaluated: 2020-04-17. Review status: no assertion criteria provided. Collection method: clinical testing. Allele origin: germline. Not counted in ClinVar's aggregate classification.